The following is an entry in ClinVar:

NM_000069.3(CACNA1S):c.3286C>T (p.Arg1096Cys)

Gene: CACNA1S (calcium voltage-gated channel subunit alpha1 S; minus strand). Cytogenetic location: 1q32.1.
Variant type: single nucleotide variant.
Coding change: c.3286C>T on transcript NM_000069.3 (MANE Select); coding-DNA position 3286, C replaced by T.
Protein change: p.Arg1096Cys; replaces arginine 1096 with cysteine.
Molecular consequence: missense variant.
Genome position (GRCh38, 1-based): chr1:201,060,786, G>A on the plus strand (C>T on the coding strand, the complement: CACNA1S is on the minus strand). VCF-style: chr1-201060786-G-A. GRCh37 (hg19) VCF-style: chr1-201029914-G-A.
Other names: short protein forms R1096C.
Identifiers: ClinVar variation 652555 (VCV000652555.10), dbSNP rs781178565, ClinGen allele CA079630.

ClinVar aggregate classification (germline): Uncertain significance. Review status: criteria provided, multiple submitters, no conflicts (2 of 4 stars). 3 submissions from 3 submitters: Uncertain significance (3). Last evaluated 2025-11-11.

Conditions:
Malignant hyperthermia, susceptibility to, 5 (MHS5). Also called: CACNA1S-Related Malignant Hyperthermia Susceptibility. Identifiers: Orphanet 423, MedGen C1866077, MONDO:0011163, OMIM 601887.
Hypokalemic periodic paralysis, type 1. Also called: Hypokalemic Periodic Paralysis Type 1 (AD); HypoPP. Identifiers: Orphanet 681, MedGen C3714580, MONDO:0042979, OMIM 170400.
Congenital myopathy 18. Also called: Myopathy, congenital, due to dihydropyridine receptor defect; DIHYDROPYRIDINE RECEPTOR CONGENITAL MYOPATHY; DHPR CONGENITAL MYOPATHY. Identifiers: MedGen C5830283, MONDO:0859514, OMIM 620246.
Thyrotoxic periodic paralysis, susceptibility to, 1 (TTPP1). Identifiers: Orphanet 79102, MedGen C2749982, MONDO:0008570, OMIM 188580.

Allele frequency attached by ClinVar (database versions not stated): ExAC 0.00002; gnomAD exomes 0.00002; gnomAD 0.00003 and 0.00004; TOPMed 0.00003.
gnomAD v4.1: 55 of 1,614,062 alleles (0.0034%); highest among the groups gnomAD compares: East Asian, 0.0045%; no homozygotes.

Submissions (3):

Labcorp Genetics (formerly Invitae), Labcorp
Classification: Uncertain significance for Hypokalemic periodic paralysis, type 1; Malignant hyperthermia, susceptibility to, 5. Last evaluated: 2025-11-11. Review status: criteria provided, single submitter. Criteria: Invitae Variant Classification Sherloc (09022015). Collection method: clinical testing. Allele origin: germline.
Comment: This sequence change replaces arginine, which is basic and polar, with cysteine, which is neutral and slightly polar, at codon 1096 of the CACNA1S protein (p.Arg1096Cys). This variant is present in population databases (rs781178565, gnomAD 0.005%). This variant has not been reported in the literature in individuals affected with CACNA1S-related conditions. ClinVar contains an entry for this variant (Variation ID: 652555). Invitae Evidence Modeling of protein sequence and biophysical properties (such as structural, functional, and spatial information, amino acid conservation, physicochemical variation, residue mobility, and thermodynamic stability) has been performed for this missense variant. However, the output from this modeling did not meet the statistical confidence thresholds required to predict the impact of this variant on CACNA1S protein function. In summary, the available evidence is currently insufficient to determine the role of this variant in disease. Therefore, it has been classified as a Variant of Uncertain Significance.

Fulgent Genetics
Classification: Uncertain significance for Hypokalemic periodic paralysis, type 1; Thyrotoxic periodic paralysis, susceptibility to, 1; Malignant hyperthermia, susceptibility to, 5; Congenital myopathy 18. Last evaluated: 2024-02-09. Review status: criteria provided, single submitter. Criteria: ACMG Guidelines, 2015. Collection method: clinical testing. Allele origin: germline.

Color Diagnostics, LLC DBA Color Health
Classification: Uncertain significance for Malignant hyperthermia, susceptibility to, 5. Last evaluated: 2023-11-16. Review status: criteria provided, single submitter. Criteria: ACMG Guidelines, 2015. Collection method: clinical testing. Allele origin: germline.
Comment: This missense variant replaces arginine with cysteine at codon 1096 of the CACNA1S protein. Computational prediction suggests that this variant may have deleterious impact on protein structure and function. To our knowledge, functional studies have not been reported for this variant. This variant has not been reported in individuals affected with CACNA1S-related disorders in the literature. This variant has been identified in 6/282876 chromosomes in the general population by the Genome Aggregation Database (gnomAD). The available evidence is insufficient to determine the role of this variant in disease conclusively. Therefore, this variant is classified as a Variant of Uncertain Significance.